The following is an entry in ClinVar:

ClinVar aggregate classification (germline): Likely benign. Review status: reviewed by expert panel (3 of 4 stars). 3 submissions from 3 submitters: Likely benign (1). 2 of the submissions do not count toward it. Last evaluated 2024-09-18.

Conditions:
Hereditary thrombocytopenia and hematologic cancer predisposition syndrome. Identifiers: Orphanet 71290, MedGen CN281654, MONDO:0011071.
Inborn genetic diseases. Identifiers: MedGen C0950123, MeSH D030342.
Hereditary thrombocytopenia and hematological cancer predisposition syndrome associated with RUNX1. Also called: RUNX1 Familial Platelet Disorder with Associated Myeloid Malignancies; Familial Platelet Disorder with Propensity to Acute Myelogenous Leukemia; Familial thrombocytopenia with propensity to acute myelogenous leukemia; PLATELET DISORDER, ASPIRIN-LIKE. Identifiers: Orphanet 71290, MedGen C1832388, MeSH C563324, MONDO:0100083, OMIM 601399.

Submissions (3):

ClinGen Myeloid Malignancy Variant Curation Expert Panel
Classification: Likely benign for Hereditary thrombocytopenia and hematologic cancer predisposition syndrome. Last evaluated: 2024-09-18. Review status: reviewed by expert panel. Criteria: ClinGen MyeloMalig ACMG Specifications v2. Collection method: curation. Allele origin: germline. Inheritance: Autosomal dominant inheritance.
Comment: NM_001754.5(RUNX1):c.363A>G (p.Leu121=) is a synonymous variant which has a SpliceAI score ≤ 0.20 (0.0) (BP4). This variant has a SpliceAI score ≤ 0.20 (0.0) and evolutionary conservation algorithms predict the site as not being conserved (PhyloP score ≤ 2.0 (0.161) (BP7). In summary, this variant meets criteria to be classified as likely benign. ACMG/AMP criteria applied, as specified by the Myeloid Malignancy Variant Curation Expert Panel for RUNX1: BP4, BP7, PM2_supporting.

Ambry Genetics
Classification: Likely benign for Inborn genetic diseases. Last evaluated: 2025-02-05. Review status: criteria provided, single submitter. Criteria: Ambry Variant Classification Scheme 2023. Collection method: clinical testing. Allele origin: germline. Not counted in ClinVar's aggregate classification.

Labcorp Genetics (formerly Invitae), Labcorp
Classification: Likely benign for Hereditary thrombocytopenia and hematological cancer predisposition syndrome associated with RUNX1. Last evaluated: 2023-08-16. Review status: criteria provided, single submitter. Criteria: Invitae Variant Classification Sherloc (09022015). Collection method: clinical testing. Allele origin: germline. Not counted in ClinVar's aggregate classification.

NM_001754.5(RUNX1):c.363A>G (p.Leu121=)

Genes: RUNX1 (RUNX family transcription factor 1; minus strand), RUNX1-AS1 (RUNX1 antisense RNA 1; plus strand). Cytogenetic location: 21q22.12.
Variant type: single nucleotide variant.
Coding change: c.363A>G on transcript NM_001754.5 (MANE Select); coding-DNA position 363, A replaced by G.
Protein change: p.Leu121=; no amino-acid change (leucine 121 retained).
Molecular consequence: synonymous variant.
Genome position (GRCh38, 1-based): chr21:34,880,702, T>C on the plus strand (A>G on the coding strand, the complement: RUNX1 is on the minus strand). VCF-style: chr21-34880702-T-C. GRCh37 (hg19) VCF-style: chr21-36252999-T-C.
Other names: NM_001754.5(RUNX1):c.363A>G; p.Leu121=; c.282A>G, p.Leu94= (NM_001001890.3, NM_001122607.2).
Identifiers: ClinVar variation 2958939 (VCV002958939.5), dbSNP rs2146363824, ClinGen allele CA512318787.